The following is an entry in ClinVar:

ClinVar aggregate classification (germline): Uncertain significance. Review status: criteria provided, multiple submitters, no conflicts (2 of 4 stars). 2 submissions from 2 submitters: Uncertain significance (2). Last evaluated 2025-11-10.

Conditions:
Inborn genetic diseases. Identifiers: MedGen C0950123, MeSH D030342.
Deafness-lymphedema-leukemia syndrome. Also called: Emberger syndrome; Lymphedema, primary, with myelodysplasia. Identifiers: Orphanet 3226, MedGen C3279664, MONDO:0013540, OMIM 614038.
Monocytopenia with susceptibility to infections. Also called: MONOCYTOPENIA AND MYCOBACTERIAL INFECTION SYNDROME; MONOCYTOPENIA WITH SUSCEPTIBILITY TO MYCOBACTERIAL, FUNGAL, AND PAPILLOMAVIRUS INFECTIONS AND MYELODYSPLASIA; COMBINED IMMUNODEFICIENCY WITH SUSCEPTIBILITY TO MYCOBACTERIAL, VIRAL, AND FUNGAL INFECTIONS; Dendritic cell, monocyte, B lymphocyte, and natural killer lymphocyte deficiency; IMMUNODEFICIENCY 21; GATA2 DEFICIENCY. Identifiers: Orphanet 228423, MedGen C3280030, MONDO:0013607, OMIM 614172.

Allele frequency attached by ClinVar (database versions not stated): gnomAD exomes below 0.00001; gnomAD 0.00001; TOPMed 0.00001.

Submissions (2):

Labcorp Genetics (formerly Invitae), Labcorp
Classification: Uncertain significance for Monocytopenia with susceptibility to infections; Deafness-lymphedema-leukemia syndrome. Last evaluated: 2025-11-10. Review status: criteria provided, single submitter. Criteria: Invitae Variant Classification Sherloc (09022015). Collection method: clinical testing. Allele origin: germline.
Comment: This sequence change replaces valine, which is neutral and non-polar, with leucine, which is neutral and non-polar, at codon 211 of the GATA2 protein (p.Val211Leu). This variant is present in population databases (no rsID available, gnomAD 0.002%). This variant has not been reported in the literature in individuals affected with GATA2-related conditions. ClinVar contains an entry for this variant (Variation ID: 404077). Invitae Evidence Modeling of protein sequence and biophysical properties (such as structural, functional, and spatial information, amino acid conservation, physicochemical variation, residue mobility, and thermodynamic stability) indicates that this missense variant is not expected to disrupt GATA2 protein function with a negative predictive value of 95%. In summary, the available evidence is currently insufficient to determine the role of this variant in disease. Therefore, it has been classified as a Variant of Uncertain Significance.

Ambry Genetics
Classification: Uncertain significance for Inborn genetic diseases. Last evaluated: 2024-12-31. Review status: criteria provided, single submitter. Criteria: Ambry Variant Classification Scheme 2023. Collection method: clinical testing. Allele origin: germline.
Comment: The p.V211L variant (also known as c.631G>C), located in coding exon 2 of the GATA2 gene, results from a G to C substitution at nucleotide position 631. The valine at codon 211 is replaced by leucine, an amino acid with highly similar properties. This amino acid position is not well conserved in available vertebrate species. In addition, this alteration is predicted to be tolerated by in silico analysis. Based on the available evidence, the clinical significance of this variant remains unclear.

NM_032638.5(GATA2):c.631G>C (p.Val211Leu)

Gene: GATA2 (GATA binding protein 2; minus strand). Cytogenetic location: 3q21.3.
Variant type: single nucleotide variant.
Coding change: c.631G>C on transcript NM_032638.5 (MANE Select); coding-DNA position 631, G replaced by C.
Protein change: p.Val211Leu; replaces valine 211 with leucine.
Molecular consequence: missense variant.
Genome position (GRCh38, 1-based): chr3:128,485,967, C>G on the plus strand (G>C on the coding strand, the complement: GATA2 is on the minus strand). VCF-style: chr3-128485967-C-G. GRCh37 (hg19) VCF-style: chr3-128204810-C-G.
Other names: c.631G>C, p.Val211Leu (NM_001145661.2, NM_001145662.1); short protein forms V211L.
Identifiers: ClinVar variation 404077 (VCV000404077.9), dbSNP rs1060500088, ClinGen allele CA16611364.